The following is an entry in ClinVar:

ClinVar aggregate classification (germline): Uncertain significance (1 of 4 stars; one submission).

Allele frequency attached by ClinVar (database versions not stated): gnomAD exomes below 0.00001; gnomAD 0.00001.

Submission:

Labcorp Genetics (formerly Invitae), Labcorp
Classification: Uncertain significance. Last evaluated: 2024-05-15. Review status: criteria provided, single submitter. Criteria: Invitae Variant Classification Sherloc (09022015). Collection method: clinical testing. Allele origin: germline.
Comment: This sequence change replaces glycine, which is neutral and non-polar, with serine, which is neutral and polar, at codon 293 of the GTPBP3 protein (p.Gly293Ser). This variant is not present in population databases (gnomAD no frequency). This variant has not been reported in the literature in individuals affected with GTPBP3-related conditions. ClinVar contains an entry for this variant (Variation ID: 1384569). Advanced modeling of protein sequence and biophysical properties (such as structural, functional, and spatial information, amino acid conservation, physicochemical variation, residue mobility, and thermodynamic stability) performed at Invitae indicates that this missense variant is expected to disrupt GTPBP3 protein function with a positive predictive value of 80%. In summary, the available evidence is currently insufficient to determine the role of this variant in disease. Therefore, it has been classified as a Variant of Uncertain Significance.

NM_032620.4(GTPBP3):c.781G>A (p.Gly261Ser)

Gene: GTPBP3 (GTP binding protein 3, mitochondrial; plus strand). Cytogenetic location: 19p13.11.
Variant type: single nucleotide variant.
Coding change: c.781G>A on transcript NM_032620.4 (MANE Select); coding-DNA position 781, G replaced by A.
Protein change: p.Gly261Ser; replaces glycine 261 with serine.
Molecular consequence: missense variant.
Genome position (GRCh38, 1-based): chr19:17,339,239, G>A. VCF-style: chr19-17339239-G-A. GRCh37 (hg19) VCF-style: chr19-17450048-G-A.
Other names: c.781G>A, p.Gly261Ser (NM_001128855.3); c.847G>A, p.Gly283Ser (NM_001195422.1); c.877G>A, p.Gly293Ser (NM_133644.4); short protein forms G293S, G261S, G283S.
Identifiers: ClinVar variation 1384569 (VCV001384569.6), dbSNP rs2074402509, ClinGen allele CA404737140.